The following is an entry in ClinVar:

NM_024577.4(SH3TC2):c.3362C>T (p.Ala1121Val)

Gene: SH3TC2 (SH3 domain and tetratricopeptide repeats 2; minus strand). Cytogenetic location: 5q32.
Variant type: single nucleotide variant.
Coding change: c.3362C>T on transcript NM_024577.4 (MANE Select); coding-DNA position 3362, C replaced by T.
Protein change: p.Ala1121Val; replaces alanine 1121 with valine.
Molecular consequence: missense variant.
Genome position (GRCh38, 1-based): chr5:149,008,967, G>A on the plus strand (C>T on the coding strand, the complement: SH3TC2 is on the minus strand). VCF-style: chr5-149008967-G-A. GRCh37 (hg19) VCF-style: chr5-148388530-G-A.
Other names: p.Ala1121Val; short protein forms A1121V.
Identifiers: ClinVar variation 234910 (VCV000234910.29), dbSNP rs115577291, ClinGen allele CA3498758.

ClinVar aggregate classification (germline): Benign/Likely benign. Review status: criteria provided, multiple submitters, no conflicts (2 of 4 stars). 11 submissions from 10 submitters: Benign (7); Likely benign (4). Last evaluated 2026-09-01.

Conditions:
Charcot-Marie-Tooth disease. Also called: Charcot-Marie-Tooth Hereditary Neuropathy; Charcot-Marie-Tooth Neuropathy. Identifiers: Orphanet 166, MedGen C0007959, MONDO:0015626.
Charcot-Marie-Tooth disease type 4. Also called: Charcot-Marie-Tooth disease, type IV; Charcot-Marie-Tooth, Type 4. Identifiers: Orphanet 64749, MedGen C4082197, MONDO:0018995.
Charcot-Marie-Tooth disease type 4C (CMT4C). Also called: SH3TC2-Related Hereditary Motor and Sensory Neuropathy; CHARCOT-MARIE-TOOTH DISEASE, DEMYELINATING, TYPE 4C; CHARCOT-MARIE-TOOTH DISEASE, DEMYELINATING, AUTOSOMAL RECESSIVE, TYPE 4C; CMT 4C; Charcot-Marie-Tooth Neuropathy Type 4C (CMT4C). Identifiers: Orphanet 99949, MedGen C1866636, MONDO:0011113, OMIM 601596.
Susceptibility to mononeuropathy of the median nerve, mild. Also called: CARPAL TUNNEL SYNDROME, SUSCEPTIBILITY TO. Identifiers: MedGen C3150596, MONDO:0013237, OMIM 613353.

Allele frequency attached by ClinVar (database versions not stated): ExAC 0.00119; 1000 Genomes Project 30x 0.00250; 1000 Genomes Project 0.00280; gnomAD 0.00356 and 0.00390; TOPMed 0.00393; ESP Exome Variant Server 0.00500.
gnomAD v4.1: 1,106 of 1,614,156 alleles (0.069%); highest among the groups gnomAD compares: African/African-American, 1.3%; 12 homozygotes.

Submissions (14):

CeGaT Center for Human Genetics Tuebingen
Classification: Likely benign. Last evaluated: 2026-09-01. Review status: criteria provided, single submitter. Criteria: CeGaT Center For Human Genetics Tuebingen Variant Classification Criteria Version 2. Collection method: clinical testing. Allele origin: germline. Affected: yes. Observed: 1 variant allele.
Comment: SH3TC2: BP4, BS1

Labcorp Genetics (formerly Invitae), Labcorp
Classification: Benign for Charcot-Marie-Tooth disease type 4. Last evaluated: 2026-01-21. Review status: criteria provided, single submitter. Criteria: Invitae Variant Classification Sherloc (09022015). Collection method: clinical testing. Allele origin: germline.

Blueprint Genetics
Classification: Likely benign. Last evaluated: 2024-09-04. Review status: criteria provided, single submitter. Criteria: ACMG Guidelines, 2015. Collection method: clinical testing. Allele origin: germline.

Athena Diagnostics
Classification: Benign. Last evaluated: 2023-11-21. Review status: criteria provided, single submitter. Criteria: Athena Diagnostics Criteria. Collection method: clinical testing. Allele origin: unknown.

Mayo Clinic Laboratories, Mayo Clinic
Classification: Benign. Last evaluated: 2023-11-01. Review status: criteria provided, single submitter. Criteria: ACMG Guidelines, 2015. Collection method: clinical testing. Allele origin: germline. Observed: 3 variant alleles.
Comment: BA1, BS2

ARUP Laboratories, Molecular Genetics and Genomics, ARUP Laboratories
Classification: Benign. Last evaluated: 2021-09-27. Review status: criteria provided, single submitter. Criteria: ARUP Molecular Germline Variant Investigation Process 2021. Collection method: clinical testing. Allele origin: germline.

GeneDx
Classification: Benign. Last evaluated: 2019-07-01. Review status: criteria provided, single submitter. Criteria: GeneDx Variant Classification Process June 2021. Collection method: clinical testing. Allele origin: germline. Affected: yes.

Illumina Laboratory Services, Illumina
Classification: Benign for Charcot-Marie-Tooth disease type 4C. Last evaluated: 2018-01-12. Review status: criteria provided, single submitter. Criteria: ICSL Variant Classification Criteria 13 December 2019. Collection method: clinical testing. Allele origin: germline.
Comment: This variant was observed in the ICSL laboratory as part of a predisposition screen in an ostensibly healthy population. It had not been previously curated by ICSL or reported in the Human Gene Mutation Database (HGMD: prior to June 1st, 2018), and was therefore a candidate for classification through an automated scoring system. Utilizing variant allele frequency, disease prevalence and penetrance estimates, and inheritance mode, an automated score was calculated to assess if this variant is too frequent to cause the disease. Based on the score and internal cut-off values, a variant classified as benign is not then subjected to further curation. The score for this variant resulted in a classification of benign for this disease.

Illumina Laboratory Services, Illumina
Classification: Benign for Susceptibility to mononeuropathy of the median nerve, mild. Last evaluated: 2018-01-12. Review status: criteria provided, single submitter. Criteria: ICSL Variant Classification Criteria 13 December 2019. Collection method: clinical testing. Allele origin: germline.
Comment: the same text as in the submission from Illumina Laboratory Services, Illumina above.

Breakthrough Genomics
Classification: Likely benign. Review status: criteria provided, single submitter. Criteria: ACMG Guidelines, 2015. Collection method: not provided. Allele origin: germline. Inheritance: Autosomal recessive inheritance. Affected: yes.

Molecular Genetics Laboratory, London Health Sciences Centre
Classification: Likely benign for Charcot-Marie-Tooth disease. Review status: criteria provided, single submitter. Criteria: ACMG Guidelines, 2015. Collection method: clinical testing. Allele origin: germline. Affected: yes.

Dr. Peter K. Rogan Lab, Western University
No classification provided (evidence only). Condition: Clear cell carcinoma of kidney. Review status: no classification provided. Collection method: in vitro. Allele origin: not applicable. Functional consequence: retained intron. Not counted in ClinVar's aggregate classification.

Dr. Peter K. Rogan Lab, Western University
No classification provided (evidence only). Condition: Cervical cancer. Review status: no classification provided. Collection method: in vitro. Allele origin: not applicable. Functional consequence: retained intron. Not counted in ClinVar's aggregate classification.

Dr. Peter K. Rogan Lab, Western University
No classification provided (evidence only). Condition: Cervical cancer. Review status: no classification provided. Collection method: in vitro. Allele origin: not applicable. Functional consequence: retained intron. Not counted in ClinVar's aggregate classification.